The following is an entry in ClinVar:

NM_014956.5(CEP164):c.3109C>T (p.Gln1037Ter)

Gene: CEP164 (centrosomal protein 164; plus strand). Cytogenetic location: 11q23.3.
Variant type: single nucleotide variant.
Coding change: c.3109C>T on transcript NM_014956.5 (MANE Select); coding-DNA position 3109, C replaced by T.
Protein change: p.Gln1037Ter; replaces glutamine 1037 with a stop codon.
Molecular consequence: nonsense.
Genome position (GRCh38, 1-based): chr11:117,396,073, C>T. VCF-style: chr11-117396073-C-T. GRCh37 (hg19) VCF-style: chr11-117266789-C-T.
Other names: c.3118C>T, p.Gln1040Ter (NM_001271933.2); short protein forms Q1040*, Q1037*.
Identifiers: ClinVar variation 1379611 (VCV001379611.6), dbSNP rs2136466034, ClinGen allele CA382732825.

ClinVar aggregate classification (germline): Pathogenic (1 of 4 stars; one submission).

Conditions:
Nephronophthisis 15 (NPHP15). Identifiers: Orphanet 3156, MedGen C3541853, MONDO:0013917, OMIM 614845.

Allele frequency attached by ClinVar (database versions not stated): gnomAD exomes below 0.00001.
gnomAD v4.1: 3 of 1,613,990 alleles (0.00019%); highest among the groups gnomAD compares: Non-Finnish European, 0.00025%; no homozygotes.

Submission:

Labcorp Genetics (formerly Invitae), Labcorp
Classification: Pathogenic for Nephronophthisis 15. Last evaluated: 2024-04-30. Review status: criteria provided, single submitter. Criteria: Invitae Variant Classification Sherloc (09022015). Collection method: clinical testing. Allele origin: germline.
Comment: This sequence change creates a premature translational stop signal (p.Gln1037*) in the CEP164 gene. It is expected to result in an absent or disrupted protein product. Loss-of-function variants in CEP164 are known to be pathogenic (PMID: 22863007, 28125082, 32367404, 34132027, 34499853). This variant is not present in population databases (gnomAD no frequency). This variant has not been reported in the literature in individuals affected with CEP164-related conditions. ClinVar contains an entry for this variant (Variation ID: 1379611). For these reasons, this variant has been classified as Pathogenic.

Literature cited by the submitters: PubMed 22863007; PubMed 28125082; PubMed 32367404; PubMed 34132027; PubMed 34499853.